The following is an entry in ClinVar:

ClinVar aggregate classification (germline): Conflicting classifications of pathogenicity. Review status: criteria provided, conflicting classifications (1 of 4 stars). 5 submissions from 5 submitters: Uncertain significance (1); Likely benign (2). 2 of the submissions do not count toward it. Last evaluated 2025-04-16.

Conditions:
Bardet-Biedl syndrome 2 (BBS2). Identifiers: Orphanet 110, MedGen C2936863, MONDO:0014432, OMIM 615981.
BBS2-related disorder. Also called: BBS2-related disorders; BBS2-related condition. Identifiers: MedGen CN239228.
Bardet-Biedl syndrome (BBS). Identifiers: Orphanet 110, MedGen C0752166, MONDO:0015229.

Allele frequency attached by ClinVar (database versions not stated): gnomAD exomes 0.00001 and 0.00002; gnomAD 0.00002; TOPMed 0.00002.
gnomAD v4.1: 34 of 1,613,954 alleles (0.0021%); highest among the groups gnomAD compares: Non-Finnish European, 0.0025%; no homozygotes.

Submissions (5):

Labcorp Genetics (formerly Invitae), Labcorp
Classification: Likely benign for Bardet-Biedl syndrome. Last evaluated: 2025-04-16. Review status: criteria provided, single submitter. Criteria: Invitae Variant Classification Sherloc (09022015). Collection method: clinical testing. Allele origin: germline.

Blueprint Genetics
Classification: Likely benign. Last evaluated: 2023-10-23. Review status: criteria provided, single submitter. Criteria: ACMG Guidelines, 2015. Collection method: clinical testing. Allele origin: germline.

Illumina Laboratory Services, Illumina
Classification: Uncertain significance for Bardet-Biedl syndrome 2. Last evaluated: 2018-01-12. Review status: criteria provided, single submitter. Criteria: ICSL Variant Classification Criteria 13 December 2019. Collection method: clinical testing. Allele origin: germline.

Natera, Inc.
Classification: Likely benign for Bardet-Biedl syndrome type 2. Last evaluated: 2021-08-16. Review status: no assertion criteria provided. Collection method: clinical testing. Allele origin: germline. Not counted in ClinVar's aggregate classification.

PreventionGenetics, part of Exact Sciences
Classification: Likely benign for BBS2-related condition. Last evaluated: 2021-01-08. Review status: no assertion criteria provided. Collection method: clinical testing. Allele origin: germline. Not counted in ClinVar's aggregate classification.
Comment: This variant is classified as likely benign based on ACMG/AMP sequence variant interpretation guidelines (Richards et al. 2015 PMID: 25741868, with internal and published modifications).

NM_031885.5(BBS2):c.2088T>C (p.Thr696=)

Gene: BBS2 (Bardet-Biedl syndrome 2; minus strand). Cytogenetic location: 16q13.
Variant type: single nucleotide variant.
Coding change: c.2088T>C on transcript NM_031885.5 (MANE Select); coding-DNA position 2088, T replaced by C.
Protein change: p.Thr696=; no amino-acid change (threonine 696 retained).
Molecular consequence: synonymous variant. On other transcripts: non-coding transcript variant (5).
Genome position (GRCh38, 1-based): chr16:56,484,839, A>G on the plus strand (T>C on the coding strand, the complement: BBS2 is on the minus strand). VCF-style: chr16-56484839-A-G. GRCh37 (hg19) VCF-style: chr16-56518751-A-G.
Other names: c.2088T>C, p.Thr696= (NM_001377456.1).
Identifiers: ClinVar variation 319848 (VCV000319848.22), dbSNP rs886052144, ClinGen allele CA10638048.